The following is an entry in ClinVar:

ClinVar aggregate classification (germline): Uncertain significance. Review status: criteria provided, multiple submitters, no conflicts (2 of 4 stars). 7 submissions from 7 submitters: Uncertain significance (6). 1 of the submissions does not count toward it. Last evaluated 2026-06-01.

Conditions:
CDH23-related disorder. Also called: CDH23-related disorders; CDH23-related condition.
Inborn genetic diseases. Identifiers: MedGen C0950123, MeSH D030342.
Usher syndrome type 1 (USH1). Also called: RETINITIS PIGMENTOSA AND CONGENITAL DEAFNESS. Identifiers: Orphanet 231169, Orphanet 886, MedGen C1568247, MONDO:0010168, OMIM 276900.

Allele frequency attached by ClinVar (database versions not stated): gnomAD 0.00005; gnomAD exomes 0.00006 and 0.00007; TOPMed 0.00006; ESP Exome Variant Server 0.00008; ExAC 0.00009.
gnomAD v4.1: 88 of 1,612,530 alleles (0.0055%); highest among the groups gnomAD compares: Admixed American, 0.0067%; no homozygotes.

Submissions (7):

CeGaT Center for Human Genetics Tuebingen
Classification: Uncertain significance. Last evaluated: 2026-06-01. Review status: criteria provided, single submitter. Criteria: CeGaT Center For Human Genetics Tuebingen Variant Classification Criteria Version 2. Collection method: clinical testing. Allele origin: germline. Affected: yes. Observed: 1 variant allele.
Comment: CDH23: PM2, BP4

PreventionGenetics, part of Exact Sciences
Classification: Uncertain significance for CDH23-related condition. Last evaluated: 2026-03-11. Review status: criteria provided, single submitter. Criteria: ACMG Guidelines, 2015. Collection method: clinical testing. Allele origin: germline.
Comment: The CDH23 c.2875G>A variant is predicted to result in the amino acid substitution p.Ala959Thr. To our knowledge, this variant has not been reported in the literature. This variant is reported in 0.012% of alleles in individuals of Latino descent in gnomAD. At this time, the clinical significance of this variant is uncertain due to the absence of conclusive functional and genetic evidence.

Ambry Genetics
Classification: Uncertain significance for Inborn genetic diseases. Last evaluated: 2025-10-29. Review status: criteria provided, single submitter. Criteria: Ambry Variant Classification Scheme 2023. Collection method: clinical testing. Allele origin: germline.

GeneDx
Classification: Uncertain significance. Last evaluated: 2024-12-03. Review status: criteria provided, single submitter. Criteria: GeneDx Variant Classification Process June 2021. Collection method: clinical testing. Allele origin: germline. Affected: yes.
Comment: In silico analysis indicates that this missense variant does not alter protein structure/function; Has not been previously published as pathogenic or benign to our knowledge

Blueprint Genetics
Classification: Uncertain significance. Last evaluated: 2024-11-25. Review status: criteria provided, single submitter. Criteria: ACMG Guidelines, 2015. Collection method: clinical testing. Allele origin: germline.

Labcorp Genetics (formerly Invitae), Labcorp
Classification: Uncertain significance. Last evaluated: 2024-11-11. Review status: criteria provided, single submitter. Criteria: Invitae Variant Classification Sherloc (09022015). Collection method: clinical testing. Allele origin: germline.
Comment: This sequence change replaces alanine, which is neutral and non-polar, with threonine, which is neutral and polar, at codon 959 of the CDH23 protein (p.Ala959Thr). This variant is present in population databases (rs200196800, gnomAD 0.01%). This variant has not been reported in the literature in individuals affected with CDH23-related conditions. ClinVar contains an entry for this variant (Variation ID: 964661). Invitae Evidence Modeling of protein sequence and biophysical properties (such as structural, functional, and spatial information, amino acid conservation, physicochemical variation, residue mobility, and thermodynamic stability) has been performed for this missense variant. However, the output from this modeling did not meet the statistical confidence thresholds required to predict the impact of this variant on CDH23 protein function. In summary, the available evidence is currently insufficient to determine the role of this variant in disease. Therefore, it has been classified as a Variant of Uncertain Significance.

Natera, Inc.
Classification: Uncertain significance for Usher syndrome type 1. Last evaluated: 2020-05-22. Review status: no assertion criteria provided. Collection method: clinical testing. Allele origin: germline. Not counted in ClinVar's aggregate classification.

NM_022124.6(CDH23):c.2875G>A (p.Ala959Thr)

Gene: CDH23 (cadherin related 23; plus strand). Cytogenetic location: 10q22.1.
Variant type: single nucleotide variant.
Coding change: c.2875G>A on transcript NM_022124.6 (MANE Select); coding-DNA position 2875, G replaced by A.
Protein change: p.Ala959Thr; replaces alanine 959 with threonine.
Molecular consequence: missense variant.
Genome position (GRCh38, 1-based): chr10:71,705,052, G>A. VCF-style: chr10-71705052-G-A. GRCh37 (hg19) VCF-style: chr10-73464809-G-A.
Other names: c.2875G>A, p.Ala959Thr (NM_001171930.2, NM_001171931.2); short protein forms A959T.
Identifiers: ClinVar variation 964661 (VCV000964661.15), dbSNP rs200196800, ClinGen allele CA5544364.